The following is an entry in ClinVar:

NM_002335.4(LRP5):c.4434C>T (p.Val1478=)

Gene: LRP5 (LDL receptor related protein 5; plus strand). Cytogenetic location: 11q13.2.
Variant type: single nucleotide variant.
Coding change: c.4434C>T on transcript NM_002335.4 (MANE Select); coding-DNA position 4434, C replaced by T.
Protein change: p.Val1478=; no amino-acid change (valine 1478 retained).
Molecular consequence: synonymous variant.
Genome position (GRCh38, 1-based): chr11:68,439,862, C>T. VCF-style: chr11-68439862-C-T. GRCh37 (hg19) VCF-style: chr11-68207330-C-T.
Other names: c.2691C>T, p.Val897= (NM_001291902.2).
Identifiers: ClinVar variation 3053527 (VCV003053527.2), dbSNP rs2496908568, ClinGen allele CA475461664.

ClinVar aggregate classification (germline): Likely benign (0 of 4 stars; one submission).

Conditions:
LRP5-related disorder. Also called: LRP5-related condition.

Submission:

PreventionGenetics, part of Exact Sciences
Classification: Likely benign for LRP5-related condition. Last evaluated: 2023-08-24. Review status: no assertion criteria provided. Collection method: clinical testing. Allele origin: germline.
Comment: This variant is classified as likely benign based on ACMG/AMP sequence variant interpretation guidelines (Richards et al. 2015 PMID: 25741868, with internal and published modifications).